The following is an entry in ClinVar:

ClinVar aggregate classification (germline): Uncertain significance (1 of 4 stars; one submission).

Allele frequency attached by ClinVar (database versions not stated): TOPMed below 0.00001.

Submission:

Labcorp Genetics (formerly Invitae), Labcorp
Classification: Uncertain significance. Last evaluated: 2022-07-23. Review status: criteria provided, single submitter. Criteria: Invitae Variant Classification Sherloc (09022015). Collection method: clinical testing. Allele origin: germline.
Comment: In summary, the available evidence is currently insufficient to determine the role of this variant in disease. Therefore, it has been classified as a Variant of Uncertain Significance. Algorithms developed to predict the effect of missense changes on protein structure and function (SIFT, PolyPhen-2, Align-GVGD) all suggest that this variant is likely to be tolerated. This variant has not been reported in the literature in individuals affected with ACTN1-related conditions. This variant is not present in population databases (gnomAD no frequency). This sequence change replaces valine, which is neutral and non-polar, with isoleucine, which is neutral and non-polar, at codon 361 of the ACTN1 protein (p.Val361Ile).

NM_001130004.2(ACTN1):c.1081G>A (p.Val361Ile)

Gene: ACTN1 (actinin alpha 1; minus strand). Cytogenetic location: 14q24.1.
Variant type: single nucleotide variant.
Coding change: c.1081G>A on transcript NM_001130004.2 (MANE Select); coding-DNA position 1081, G replaced by A.
Protein change: p.Val361Ile; replaces valine 361 with isoleucine.
Molecular consequence: missense variant.
Genome position (GRCh38, 1-based): chr14:68,892,058, C>T on the plus strand (G>A on the coding strand, the complement: ACTN1 is on the minus strand). VCF-style: chr14-68892058-C-T. GRCh37 (hg19) VCF-style: chr14-69358775-C-T.
Other names: c.1081G>A, p.Val361Ile (NM_001102.4, NM_001130005.2, NM_001411035.1); c.886G>A, p.Val296Ile (NM_001411036.1); short protein forms V296I, V361I.
Identifiers: ClinVar variation 2019055 (VCV002019055.4), dbSNP rs1298842453, ClinGen allele CA390188112.